The following is an entry in ClinVar:

ClinVar aggregate classification (germline): Uncertain significance. Review status: criteria provided, multiple submitters, no conflicts (2 of 4 stars). 2 submissions from 2 submitters: Uncertain significance (2). Last evaluated 2023-12-03.

Conditions:
Cardiovascular phenotype. Identifiers: MedGen CN230736.
Myofibrillar myopathy 4. Also called: Zaspopathy (type). Identifiers: Orphanet 98912, MedGen C4721886, MONDO:0012277, OMIM 609452.

Submissions (2):

Labcorp Genetics (formerly Invitae), Labcorp
Classification: Uncertain significance for Myofibrillar myopathy 4. Last evaluated: 2023-12-03. Review status: criteria provided, single submitter. Criteria: Invitae Variant Classification Sherloc (09022015). Collection method: clinical testing. Allele origin: germline.
Comment: The LDB3 gene has multiple clinically relevant transcripts. This variant occurs in alternate transcript NM_007078.3, and corresponds to NM_001080116.1:c.*33526A>C in the primary transcript. This sequence change replaces asparagine, which is neutral and polar, with threonine, which is neutral and polar, at codon 703 of the LDB3 protein (p.Asn703Thr). This variant is not present in population databases (gnomAD no frequency). This variant has not been reported in the literature in individuals affected with LDB3-related conditions. Experimental studies and prediction algorithms are not available or were not evaluated, and the functional significance of this variant is currently unknown. In summary, the available evidence is currently insufficient to determine the role of this variant in disease. Therefore, it has been classified as a Variant of Uncertain Significance.

Ambry Genetics
Classification: Uncertain significance for Cardiovascular phenotype. Last evaluated: 2023-02-28. Review status: criteria provided, single submitter. Criteria: Ambry Variant Classification Scheme 2023. Collection method: clinical testing. Allele origin: germline.

NM_007078.3(LDB3):c.2108A>C (p.Asn703Thr)

Gene: LDB3 (LIM domain binding 3; plus strand). Cytogenetic location: 10q23.2.
Variant type: single nucleotide variant.
Coding change: c.2108A>C on transcript NM_007078.3 (MANE Select); coding-DNA position 2108, A replaced by C.
Protein change: p.Asn703Thr; replaces asparagine 703 with threonine.
Molecular consequence: missense variant.
Genome position (GRCh38, 1-based): chr10:86,732,900, A>C. VCF-style: chr10-86732900-A-C. GRCh37 (hg19) VCF-style: chr10-88492657-A-C.
Other names: c.1778A>C, p.Asn593Thr (NM_001080114.2); c.2123A>C, p.Asn708Thr (NM_001171610.2); c.1919A>C, p.Asn640Thr (NM_001368064.1, NM_001368065.1); c.1967A>C, p.Asn656Thr (NM_001368066.1); short protein forms N640T, N593T, N708T, N656T, N703T.
Identifiers: ClinVar variation 2490241 (VCV002490241.5), dbSNP rs2492881820, ClinGen allele CA377460141.